The following is an entry in ClinVar:

ClinVar aggregate classification (germline): Uncertain significance (1 of 4 stars; one submission).

Allele frequency attached by ClinVar (database versions not stated): TOPMed below 0.00001.

Submission:

Ambry Genetics
Classification: Uncertain significance. Last evaluated: 2023-01-15. Review status: criteria provided, single submitter. Criteria: Ambry Variant Classification Scheme 2023. Collection method: clinical testing. Allele origin: germline.
Comment: The p.V1407A variant (also known as c.4220T>C), located in coding exon 16 of the POLQ gene, results from a T to C substitution at nucleotide position 4220. The valine at codon 1407 is replaced by alanine, an amino acid with similar properties. This amino acid position is conserved. In addition, this alteration is predicted to be tolerated by in silico analysis. Since supporting evidence is limited at this time, the clinical significance of this alteration remains unclear.

NM_199420.4(POLQ):c.4220T>C (p.Val1407Ala)

Gene: POLQ (DNA polymerase theta; minus strand). Cytogenetic location: 3q13.33.
Variant type: single nucleotide variant.
Coding change: c.4220T>C on transcript NM_199420.4 (MANE Select); coding-DNA position 4220, T replaced by C.
Protein change: p.Val1407Ala; replaces valine 1407 with alanine.
Molecular consequence: missense variant.
Genome position (GRCh38, 1-based): chr3:121,488,711, A>G on the plus strand (T>C on the coding strand, the complement: POLQ is on the minus strand). VCF-style: chr3-121488711-A-G. GRCh37 (hg19) VCF-style: chr3-121207558-A-G.
Other names: short protein forms V1407A.
Identifiers: ClinVar variation 2497210 (VCV002497210.2), dbSNP rs2048036124, ClinGen allele CA354095716.